The following is an entry in ClinVar:

ClinVar aggregate classification (germline): Uncertain significance. Review status: criteria provided, multiple submitters, no conflicts (2 of 4 stars). 3 submissions from 3 submitters: Uncertain significance (3). Last evaluated 2025-01-03.

Conditions:
Ataxia-telangiectasia-like disorder (ATLD). Identifiers: MedGen C1858391, MONDO:0011457.
Hereditary cancer-predisposing syndrome. Also called: Hereditary Cancer Syndrome; Hereditary neoplastic syndrome; Neoplastic Syndromes, Hereditary; Tumor predisposition. Identifiers: Orphanet 140162, MedGen C0027672, MeSH D009386, MONDO:0015356.

Allele frequency attached by ClinVar (database versions not stated): ExAC 0.00001; gnomAD 0.00001; gnomAD exomes 0.00001; TOPMed 0.00003.
gnomAD v4.1: 16 of 1,612,708 alleles (0.00099%); highest among the groups gnomAD compares: African/African-American, 0.0027%; no homozygotes.

Submissions (3):

Athena Diagnostics
Classification: Uncertain significance. Last evaluated: 2025-01-03. Review status: criteria provided, single submitter. Criteria: Athena Diagnostics Criteria. Collection method: clinical testing. Allele origin: unknown.
Comment: Available data are insufficient to determine the clinical significance of the variant at this time. The frequency of this variant in the general population is uninformative in assessment of its pathogenicity. Polyphen and MutationTaster yielded discordant predictions regarding whether this amino acid change is damaging to the protein.

Ambry Genetics
Classification: Uncertain significance for Hereditary cancer-predisposing syndrome. Last evaluated: 2024-12-05. Review status: criteria provided, single submitter. Criteria: Ambry Variant Classification Scheme 2023. Collection method: clinical testing. Allele origin: germline.

Labcorp Genetics (formerly Invitae), Labcorp
Classification: Uncertain significance for Ataxia-telangiectasia-like disorder. Last evaluated: 2022-08-31. Review status: criteria provided, single submitter. Criteria: Invitae Variant Classification Sherloc (09022015). Collection method: clinical testing. Allele origin: germline.
Comment: This sequence change replaces arginine, which is basic and polar, with cysteine, which is neutral and slightly polar, at codon 288 of the MRE11 protein (p.Arg288Cys). This variant is present in population databases (rs753958669, gnomAD 0.008%). This variant has not been reported in the literature in individuals affected with MRE11-related conditions. ClinVar contains an entry for this variant (Variation ID: 216615). Algorithms developed to predict the effect of missense changes on protein structure and function are either unavailable or do not agree on the potential impact of this missense change (SIFT: "Deleterious"; PolyPhen-2: "Benign"; Align-GVGD: "Class C15"). In summary, the available evidence is currently insufficient to determine the role of this variant in disease. Therefore, it has been classified as a Variant of Uncertain Significance.

NM_005591.4(MRE11):c.862C>T (p.Arg288Cys)

Gene: MRE11 (MRE11 double strand break repair nuclease; minus strand). Cytogenetic location: 11q21.
Variant type: single nucleotide variant.
Coding change: c.862C>T on transcript NM_005591.4 (MANE Select); coding-DNA position 862, C replaced by T.
Protein change: p.Arg288Cys; replaces arginine 288 with cysteine.
Molecular consequence: missense variant.
Genome position (GRCh38, 1-based): chr11:94,470,626, G>A on the plus strand (C>T on the coding strand, the complement: MRE11 is on the minus strand). VCF-style: chr11-94470626-G-A. GRCh37 (hg19) VCF-style: chr11-94203792-G-A.
Other names: c.862C>T, p.Arg288Cys (NM_001330347.2, NM_005590.4); short protein forms R288C.
Identifiers: ClinVar variation 216615 (VCV000216615.13), dbSNP rs753958669, ClinGen allele CA338314.